The following is an entry in ClinVar:

NC_000006.12:g.(?_73644397)_(73644613_?)del

Gene: SLC17A5 (solute carrier family 17 member 5; minus strand). Cytogenetic location: 6q13.
Variant type: Deletion.
Identifiers: ClinVar variation 832233 (VCV000832233.4).

ClinVar aggregate classification (germline): Pathogenic (1 of 4 stars; one submission).

Conditions:
Salla disease (SD). Also called: Less Severe FSASD (Salla Disease); Sialuria, Finnish type; N-acetylneuraminic acid (NANA) storage disease (NSD); Infantile sialic acid storage disorder (ISSD). Identifiers: Orphanet 309334, Orphanet 834, MedGen C1096903, MONDO:0011449, OMIM 604369.

Submission:

Labcorp Genetics (formerly Invitae), Labcorp
Classification: Pathogenic for Salla disease. Last evaluated: 2019-05-10. Review status: criteria provided, single submitter. Criteria: Invitae Variant Classification Sherloc (09022015). Collection method: clinical testing. Allele origin: germline.
Comment: This variant is an out-of-frame deletion of the genomic region encompassing exon 2 of the SLC17A5 gene. This is expected to create a premature translational stop signal and result in an absent or disrupted protein product. This variant has not been reported in the literature in individuals with SLC17A5-related conditions. Loss-of-function variants in SLC17A5 are known to be pathogenic (PMID: 10581036, 10947946, 15172001). For these reasons, this variant has been classified as Pathogenic.

Literature cited by the submitters: PubMed 10581036; PubMed 10947946; PubMed 15172001.